The following is an entry in ClinVar:

NM_001170700.3(DTHD1):c.1943C>T (p.Ala648Val)

Gene: DTHD1 (death domain containing 1; plus strand). Cytogenetic location: 4p14.
Variant type: single nucleotide variant.
Coding change: c.1943C>T on transcript NM_001170700.3 (MANE Select); coding-DNA position 1943, C replaced by T.
Protein change: p.Ala648Val; replaces alanine 648 with valine.
Molecular consequence: missense variant. On other transcripts: non-coding transcript variant (2).
Genome position (GRCh38, 1-based): chr4:36,308,341, C>T. VCF-style: chr4-36308341-C-T. GRCh37 (hg19) VCF-style: chr4-36309963-C-T.
Other names: c.1568C>T (NM_001170700.1); c.1073C>T, p.Ala358Val (NM_001136536.5); c.1010C>T, p.Ala337Val (NM_001378435.1); short protein forms A648V, A337V, A358V.
Identifiers: ClinVar variation 1462426 (VCV001462426.8), dbSNP rs200787538, ClinGen allele CA2885688.

ClinVar aggregate classification (germline): Conflicting classifications of pathogenicity. Review status: criteria provided, conflicting classifications (1 of 4 stars). 3 submissions from 3 submitters: Uncertain significance (2); Likely benign (1). Last evaluated 2025-05-12.

Allele frequency attached by ClinVar (database versions not stated): ExAC 0.00005; gnomAD exomes 0.00006; gnomAD 0.00007; TOPMed 0.00008.
gnomAD v4.1: 398 of 1,551,760 alleles (0.026%); highest among the groups gnomAD compares: Non-Finnish European, 0.034%; no homozygotes.

Submissions (3):

Labcorp Genetics (formerly Invitae), Labcorp
Classification: Uncertain significance. Last evaluated: 2025-05-12. Review status: criteria provided, single submitter. Criteria: Invitae Variant Classification Sherloc (09022015). Collection method: clinical testing. Allele origin: germline.
Comment: This sequence change replaces alanine, which is neutral and non-polar, with valine, which is neutral and non-polar, at codon 358 of the DTHD1 protein (p.Ala358Val). This variant is present in population databases (rs200787538, gnomAD 0.02%). This variant has not been reported in the literature in individuals affected with DTHD1-related conditions. ClinVar contains an entry for this variant (Variation ID: 1462426). An algorithm developed to predict the effect of missense changes on protein structure and function outputs the following: PolyPhen-2: "Benign". The valine amino acid residue is found in multiple mammalian species, which suggests that this missense change does not adversely affect protein function. In summary, the available evidence is currently insufficient to determine the role of this variant in disease. Therefore, it has been classified as a Variant of Uncertain Significance.

Blueprint Genetics
Classification: Uncertain significance. Last evaluated: 2022-05-20. Review status: criteria provided, single submitter. Criteria: ACMG Guidelines, 2015. Collection method: clinical testing. Allele origin: germline.

Ambry Genetics
Classification: Likely benign. Last evaluated: 2021-08-04. Review status: criteria provided, single submitter. Criteria: Ambry Variant Classification Scheme 2023. Collection method: clinical testing. Allele origin: germline.